The following is an entry in ClinVar:

ClinVar aggregate classification (germline): Likely benign (1 of 4 stars; one submission).

Allele frequency attached by ClinVar (database versions not stated): gnomAD 0.00082; TOPMed 0.00082; ExAC 0.00084; ESP Exome Variant Server 0.00138; gnomAD exomes 0.00140.
gnomAD v4.1: 2,172 of 1,614,078 alleles (0.13%); highest among the groups gnomAD compares: Non-Finnish European, 0.16%; 2 homozygotes.

Submission:

CeGaT Center for Human Genetics Tuebingen
Classification: Likely benign. Last evaluated: 2022-07-01. Review status: criteria provided, single submitter. Criteria: CeGaT Center For Human Genetics Tuebingen Variant Classification Criteria Version 2. Collection method: clinical testing. Allele origin: germline. Affected: yes. Observed: 1 variant allele.
Comment: MCOLN3: BP4, BP7

NM_018298.11(MCOLN3):c.1224G>A (p.Ala408=)

Gene: MCOLN3 (mucolipin TRP cation channel 3; minus strand). Cytogenetic location: 1p22.3.
Variant type: single nucleotide variant.
Coding change: c.1224G>A on transcript NM_018298.11 (MANE Select); coding-DNA position 1224, G replaced by A.
Protein change: p.Ala408=; no amino-acid change (alanine 408 retained).
Molecular consequence: synonymous variant.
Genome position (GRCh38, 1-based): chr1:85,022,166, C>T on the plus strand (G>A on the coding strand, the complement: MCOLN3 is on the minus strand). VCF-style: chr1-85022166-C-T. GRCh37 (hg19) VCF-style: chr1-85487849-C-T.
Other names: c.1056G>A, p.Ala352= (NM_001253693.2).
Identifiers: ClinVar variation 2638904 (VCV002638904.24), dbSNP rs148052305, ClinGen allele CA927594.
Genomic context (GRCh38, chr1:85,022,166, plus strand): 5'-GAAGCAGTAACCTAAGTAAATCATAGCTGCACAGCAGCAGAACCTGATGACATTGGGCAG[C>T]GCTGCCTGAAGGGTCAAAATGAGGAGCTGGGAAAGTAAGAGAGGCCATTAGAATGGTTTT-3'
Protein context (NP_060768.8, residues 398-418): YNLLILTLQA[Ala408=]LPNVIRFCCC